The following is an entry in ClinVar:

ClinVar aggregate classification (germline): Likely benign. Review status: criteria provided, multiple submitters, no conflicts (2 of 4 stars). 3 submissions from 3 submitters: Likely benign (2). 1 of the submissions does not count toward it. Last evaluated 2026-06-01.

Conditions:
PIEZO2-related disorder. Also called: PIEZO2-related condition; PIEZO2-related disorders.

Allele frequency attached by ClinVar (database versions not stated): gnomAD 0.00026 and 0.00029; TOPMed 0.00027; 1000 Genomes Project 30x 0.00031; gnomAD exomes 0.00043; ESP Exome Variant Server 0.00044; 1000 Genomes Project 0.00060; ExAC 0.00086.
gnomAD v4.1: 827 of 1,534,140 alleles (0.054%); highest among the groups gnomAD compares: South Asian, 0.11%; 2 homozygotes.

Submissions (3):

CeGaT Center for Human Genetics Tuebingen
Classification: Likely benign. Last evaluated: 2026-06-01. Review status: criteria provided, single submitter. Criteria: CeGaT Center For Human Genetics Tuebingen Variant Classification Criteria Version 2. Collection method: clinical testing. Allele origin: germline. Affected: yes. Observed: 3 variant alleles.
Comment: PIEZO2: BP4, BP7

Labcorp Genetics (formerly Invitae), Labcorp
Classification: Likely benign. Last evaluated: 2025-09-13. Review status: criteria provided, single submitter. Criteria: Invitae Variant Classification Sherloc (09022015). Collection method: clinical testing. Allele origin: germline.

PreventionGenetics, part of Exact Sciences
Classification: Likely benign for PIEZO2-related condition. Last evaluated: 2023-08-01. Review status: no assertion criteria provided. Collection method: clinical testing. Allele origin: germline. Not counted in ClinVar's aggregate classification.
Comment: This variant is classified as likely benign based on ACMG/AMP sequence variant interpretation guidelines (Richards et al. 2015 PMID: 25741868, with internal and published modifications).

NM_001378183.1(PIEZO2):c.5982C>T (p.Ser1994=)

Gene: PIEZO2 (piezo type mechanosensitive ion channel component 2; minus strand). Cytogenetic location: 18p11.22.
Variant type: single nucleotide variant.
Coding change: c.5982C>T on transcript NM_001378183.1 (MANE Select); coding-DNA position 5982, C replaced by T.
Protein change: p.Ser1994=; no amino-acid change (serine 1994 retained).
Molecular consequence: synonymous variant.
Genome position (GRCh38, 1-based): chr18:10,705,353, G>A on the plus strand (C>T on the coding strand, the complement: PIEZO2 is on the minus strand). VCF-style: chr18-10705353-G-A. GRCh37 (hg19) VCF-style: chr18-10705351-G-A.
Other names: c.5643C>T, p.Ser1881= (NM_022068.4); c.5643C>T (NM_022068.3).
Identifiers: ClinVar variation 1565009 (VCV001565009.32), dbSNP rs377649969, ClinGen allele CA8892289.
Genomic context (GRCh38, chr18:10,705,353, plus strand): 5'-GTGATTTGGGGATATGTGTCTGATCTGTTCACTGGACCCTTACTTTTTCAGCAGCAGCTC[G>A]CTGGCCGTCAGCTCATGGGTCAGGGGAGGTAAGATGCTGGACCCCAGCTTGTCGGTGCGG-3'
Protein context (NP_001365112.1, residues 1984-2004): LPPLTHELTA[Ser1994=]ELLLKKMFHD